The following is an entry in ClinVar:

ClinVar aggregate classification (germline): Uncertain significance. Review status: criteria provided, multiple submitters, no conflicts (2 of 4 stars). 2 submissions from 2 submitters: Uncertain significance (2). Last evaluated 2022-03-18.

Conditions:
Cardiovascular phenotype. Identifiers: MedGen CN230736.
Brugada syndrome. Also called: Sudden unexplained nocturnal death syndrome; Sudden Unexplained Death Syndrome; Sudden Unexplained Nocturnal Death Syndrome (SUNDS); Sudden unexpected nocturnal death syndrome. Identifiers: Orphanet 130, MedGen C1142166, MONDO:0015263.

Allele frequency attached by ClinVar (database versions not stated): gnomAD exomes below 0.00001; ExAC 0.00001; TOPMed 0.00002; gnomAD 0.00001.

Submissions (2):

Labcorp Genetics (formerly Invitae), Labcorp
Classification: Uncertain significance for Brugada syndrome. Last evaluated: 2022-03-18. Review status: criteria provided, single submitter. Criteria: Invitae Variant Classification Sherloc (09022015). Collection method: clinical testing. Allele origin: germline.
Comment: This sequence change replaces threonine, which is neutral and polar, with isoleucine, which is neutral and non-polar, at codon 591 of the CACNA2D1 protein (p.Thr591Ile). This variant is present in population databases (rs773781850, gnomAD 0.007%). This variant has not been reported in the literature in individuals affected with CACNA2D1-related conditions. ClinVar contains an entry for this variant (Variation ID: 848345). Algorithms developed to predict the effect of missense changes on protein structure and function are either unavailable or do not agree on the potential impact of this missense change (SIFT: "Deleterious"; PolyPhen-2: "Possibly Damaging"; Align-GVGD: "Class C0"). In summary, the available evidence is currently insufficient to determine the role of this variant in disease. Therefore, it has been classified as a Variant of Uncertain Significance.

Ambry Genetics
Classification: Uncertain significance for Cardiovascular phenotype. Last evaluated: 2020-10-14. Review status: criteria provided, single submitter. Criteria: Ambry Variant Classification Scheme 2023. Collection method: clinical testing. Allele origin: germline.
Comment: The p.T591I variant (also known as c.1772C>T), located in coding exon 21 of the CACNA2D1 gene, results from a C to T substitution at nucleotide position 1772. The threonine at codon 591 is replaced by isoleucine, an amino acid with similar properties. This amino acid position is well conserved in available vertebrate species. In addition, the in silico prediction for this alteration is inconclusive. Since supporting evidence is limited at this time, the clinical significance of this alteration remains unclear.

NM_000722.4(CACNA2D1):c.1772C>T (p.Thr591Ile)

Gene: CACNA2D1 (calcium voltage-gated channel auxiliary subunit alpha2delta 1; minus strand). Cytogenetic location: 7q21.11.
Variant type: single nucleotide variant.
Coding change: c.1772C>T on transcript NM_000722.4 (MANE Select); coding-DNA position 1772, C replaced by T.
Protein change: p.Thr591Ile; replaces threonine 591 with isoleucine.
Molecular consequence: missense variant.
Genome position (GRCh38, 1-based): chr7:81,991,209, G>A on the plus strand (C>T on the coding strand, the complement: CACNA2D1 is on the minus strand). VCF-style: chr7-81991209-G-A. GRCh37 (hg19) VCF-style: chr7-81620525-G-A.
Other names: c.1829C>T, p.Thr610Ile (NM_001366867.1); short protein forms T591I, T610I.
Identifiers: ClinVar variation 848345 (VCV000848345.11), dbSNP rs773781850, ClinGen allele CA4317909.